The following is an entry in ClinVar:

NM_001270974.2(HYDIN):c.10012G>T (p.Glu3338Ter)

Gene: HYDIN (HYDIN axonemal central pair apparatus protein; minus strand). Cytogenetic location: 16q22.2.
Variant type: single nucleotide variant.
Coding change: c.10012G>T on transcript NM_001270974.2 (MANE Select); coding-DNA position 10012, G replaced by T.
Protein change: p.Glu3338Ter; replaces glutamic acid 3338 with a stop codon.
Molecular consequence: nonsense.
Genome position (GRCh38, 1-based): chr16:70,882,863, C>A on the plus strand (G>T on the coding strand, the complement: HYDIN is on the minus strand). VCF-style: chr16-70882863-C-A. GRCh37 (hg19) VCF-style: chr16-70916766-C-A.
Other names: short protein forms E3338*.
Identifiers: ClinVar variation 3027473 (VCV003027473.1), dbSNP rs2506960798, ClinGen allele CA396600844.

ClinVar aggregate classification (germline): Pathogenic (1 of 4 stars; one submission).

Conditions:
Primary ciliary dyskinesia 5. Also called: CILIARY DYSKINESIA, PRIMARY, 5, WITHOUT SITUS INVERSUS. Identifiers: Orphanet 244, MedGen C1837615, MONDO:0012088, OMIM 608647.

Submission:

Royal Brompton Clinical Genetics And Genomics Laboratory, NHS South East Genomic Laboratory Hub
Classification: Pathogenic for Primary ciliary dyskinesia 5. Last evaluated: 2024-03-06. Review status: criteria provided, single submitter. Criteria: RBHT-CGGL ClinVar Assertion Criteria. Collection method: clinical testing. Allele origin: germline. Affected: yes. Observed: 1 variant allele.

Literature cited by the submitters: PubMed 31879361.